The following is an entry in ClinVar:

ClinVar aggregate classification (germline): Likely benign (0 of 4 stars; one submission).

Conditions:
BDH1-related disorder. Also called: BDH1-related condition.

Allele frequency attached by ClinVar (database versions not stated): TOPMed 0.00101; ESP Exome Variant Server 0.00108; gnomAD 0.00113; ExAC 0.00120; gnomAD exomes 0.00152.
gnomAD v4.1: 2,335 of 1,611,480 alleles (0.14%); highest among the groups gnomAD compares: Non-Finnish European, 0.19%; 5 homozygotes.

Submission:

PreventionGenetics, part of Exact Sciences
Classification: Likely benign for BDH1-related condition. Last evaluated: 2022-07-14. Review status: no assertion criteria provided. Collection method: clinical testing. Allele origin: germline.
Comment: This variant is classified as likely benign based on ACMG/AMP sequence variant interpretation guidelines (Richards et al. 2015 PMID: 25741868, with internal and published modifications).

NM_203314.3(BDH1):c.941G>A (p.Arg314His)

Gene: BDH1 (3-hydroxybutyrate dehydrogenase 1). Cytogenetic location: 3q29.
Variant type: single nucleotide variant.
Coding change: c.941G>A on transcript NM_203314.3 (MANE Select); coding-DNA position 941, G replaced by A.
Protein change: p.Arg314His; replaces arginine 314 with histidine.
Molecular consequence: missense variant.
Genome position (GRCh38, 1-based): chr3:197,511,986, C>T on the plus strand (G>A on the coding strand, the complement: BDH1 is on the minus strand). VCF-style: chr3-197511986-C-T. GRCh37 (hg19) VCF-style: chr3-197238857-C-T.
Other names: c.941G>A, p.Arg314His (NM_004051.5, NM_203315.3); short protein forms R314H.
Identifiers: ClinVar variation 3052892 (VCV003052892.2), dbSNP rs144840608, ClinGen allele CA2785992.